The following is an entry in ClinVar:

ClinVar aggregate classification (germline): Uncertain significance (1 of 4 stars; one submission).

Submission:

Labcorp Genetics (formerly Invitae), Labcorp
Classification: Uncertain significance. Last evaluated: 2025-04-06. Review status: criteria provided, single submitter. Criteria: Invitae Variant Classification Sherloc (09022015). Collection method: clinical testing. Allele origin: germline.
Comment: This sequence change replaces glycine, which is neutral and non-polar, with arginine, which is basic and polar, at codon 63 of the PFN1 protein (p.Gly63Arg). This variant is not present in population databases (gnomAD no frequency). This variant has not been reported in the literature in individuals affected with PFN1-related conditions. ClinVar contains an entry for this variant (Variation ID: 3664048). An algorithm developed to predict the effect of missense changes on protein structure and function (PolyPhen-2) suggests that this variant is likely to be disruptive. In summary, the available evidence is currently insufficient to determine the role of this variant in disease. Therefore, it has been classified as a Variant of Uncertain Significance.

NM_005022.4(PFN1):c.187G>A (p.Gly63Arg)

Gene: PFN1 (profilin 1; minus strand). Cytogenetic location: 17p13.2.
Variant type: single nucleotide variant.
Coding change: c.187G>A on transcript NM_005022.4 (MANE Select); coding-DNA position 187, G replaced by A.
Protein change: p.Gly63Arg; replaces glycine 63 with arginine.
Molecular consequence: missense variant.
Genome position (GRCh38, 1-based): chr17:4,946,766, C>T on the plus strand (G>A on the coding strand, the complement: PFN1 is on the minus strand). VCF-style: chr17-4946766-C-T. GRCh37 (hg19) VCF-style: chr17-4850061-C-T.
Other names: c.187G>A, p.Gly63Arg (NM_001375991.1); short protein forms G63R.
Identifiers: ClinVar variation 3664048 (VCV003664048.2).